The following is an entry in ClinVar:

NM_001122764.3(PPOX):c.987+16G>A

Gene: PPOX (protoporphyrinogen oxidase; plus strand). Cytogenetic location: 1q23.3.
Variant type: single nucleotide variant.
Coding change: c.987+16G>A on transcript NM_001122764.3 (MANE Select); 16 bases into the intron after coding-DNA position 987, G replaced by A.
Molecular consequence: intron variant.
Genome position (GRCh38, 1-based): chr1:161,170,040, G>A. VCF-style: chr1-161170040-G-A. GRCh37 (hg19) VCF-style: chr1-161139830-G-A.
Other names: p.?; c.501+16G>A (NM_001350130.2, NM_001350131.2, NM_001365401.1); c.888+16G>A (NM_001350128.2); c.579+16G>A (NM_001350129.2, NM_001365400.1); c.987+16G>A (NM_001365399.1, NM_000309.5, NM_001365398.1).
Identifiers: ClinVar variation 1601210 (VCV001601210.10), dbSNP rs185558102, ClinGen allele CA1207305.

ClinVar aggregate classification (germline): Benign. Review status: criteria provided, multiple submitters, no conflicts (2 of 4 stars). 3 submissions from 3 submitters: Benign (3). Last evaluated 2026-02-03.

Allele frequency attached by ClinVar (database versions not stated): ESP Exome Variant Server 0.00038; gnomAD 0.00322 and 0.00326; 1000 Genomes Project 30x 0.00437; 1000 Genomes Project 0.00439; ExAC 0.00571; TOPMed 0.00588.
gnomAD v4.1: 2,487 of 1,605,624 alleles (0.15%); highest among the groups gnomAD compares: Admixed American, 3.9%; 65 homozygotes.

Submissions (3):

Labcorp Genetics (formerly Invitae), Labcorp
Classification: Benign. Last evaluated: 2026-02-03. Review status: criteria provided, single submitter. Criteria: Invitae Variant Classification Sherloc (09022015). Collection method: clinical testing. Allele origin: germline.

Mayo Clinic Laboratories, Mayo Clinic
Classification: Benign. Last evaluated: 2025-09-19. Review status: criteria provided, single submitter. Criteria: ACMG Guidelines, 2015. Collection method: clinical testing. Allele origin: germline. Observed: 4 variant alleles.
Comment: BA1, BP4, BP7

Breakthrough Genomics
Classification: Benign. Review status: criteria provided, single submitter. Criteria: ACMG Guidelines, 2015. Collection method: not provided. Allele origin: germline. Inheritance: Autosomal dominant inheritance. Affected: yes.